The following is an entry in ClinVar:

NM_005996.4(TBX3):c.1180G>C (p.Ala394Pro)

Gene: TBX3 (T-box transcription factor 3; minus strand). Cytogenetic location: 12q24.21.
Variant type: single nucleotide variant.
Coding change: c.1180G>C on transcript NM_005996.4 (MANE Select); coding-DNA position 1180, G replaced by C.
Protein change: p.Ala394Pro; replaces alanine 394 with proline.
Molecular consequence: missense variant.
Genome position (GRCh38, 1-based): chr12:114,674,695, C>G on the plus strand (G>C on the coding strand, the complement: TBX3 is on the minus strand). VCF-style: chr12-114674695-C-G. GRCh37 (hg19) VCF-style: chr12-115112500-C-G.
Other names: c.1240G>C, p.Ala414Pro (NM_016569.4); short protein forms A394P, A414P.
Identifiers: ClinVar variation 4810615 (VCV004810615.1).

ClinVar aggregate classification (germline): Uncertain significance (1 of 4 stars; one submission).

Conditions:
Ulnar-mammary syndrome (UMS). Also called: SCHINZEL SYNDROME; Ulnar-mammary syndrome of Pallister; PALLISTER ULNAR-MAMMARY SYNDROME. Identifiers: Orphanet 3138, MedGen C1866994, MONDO:0008411, OMIM 181450.

gnomAD v4.1: 1 of 1,606,378 alleles (0.000062%); highest among the groups gnomAD compares: African/African-American, 0.0013%; no homozygotes.

Submission:

Labcorp Genetics (formerly Invitae), Labcorp
Classification: Uncertain significance for Ulnar-mammary syndrome. Last evaluated: 2025-11-08. Review status: criteria provided, single submitter. Criteria: Invitae Variant Classification Sherloc (09022015). Collection method: clinical testing. Allele origin: germline.
Comment: This sequence change replaces alanine, which is neutral and non-polar, with proline, which is neutral and non-polar, at codon 394 of the TBX3 protein (p.Ala394Pro). This variant is not present in population databases (gnomAD no frequency). This variant has not been reported in the literature in individuals affected with TBX3-related conditions. An algorithm developed to predict the effect of missense changes on protein structure and function outputs the following: PolyPhen-2: "Benign". The proline amino acid residue is found in multiple mammalian species, which suggests that this missense change does not adversely affect protein function. In summary, the available evidence is currently insufficient to determine the role of this variant in disease. Therefore, it has been classified as a Variant of Uncertain Significance.